The following is an entry in ClinVar:

ClinVar aggregate classification (germline): Uncertain significance. Review status: criteria provided, multiple submitters, no conflicts (2 of 4 stars). 2 submissions from 2 submitters: Uncertain significance (2). Last evaluated 2025-05-13.

Conditions:
DICER1-related tumor predisposition. Also called: DICER1 syndrome; DICER1-related pleuropulmonary blastoma cancer predisposition syndrome. Identifiers: Orphanet 284343, MedGen C3839822, MONDO:0100216.
Hereditary cancer-predisposing syndrome. Also called: Hereditary neoplastic syndrome; Tumor predisposition; Neoplastic Syndromes, Hereditary; Hereditary Cancer Syndrome. Identifiers: Orphanet 140162, MedGen C0027672, MeSH D009386, MONDO:0015356.

Allele frequency attached by ClinVar (database versions not stated): gnomAD exomes below 0.00001.
gnomAD v4.1: 1 of 1,614,094 alleles (0.000062%); highest among the groups gnomAD compares: African/African-American, 0.0013%; no homozygotes.

Submissions (2):

Ambry Genetics
Classification: Uncertain significance for Hereditary cancer-predisposing syndrome. Last evaluated: 2025-05-13. Review status: criteria provided, single submitter. Criteria: Ambry Variant Classification Scheme 2023. Collection method: clinical testing. Allele origin: germline.
Comment: The c.5604-3C>T intronic variant results from a C to T substitution 3 nucleotides upstream from coding exon 26 in the DICER1 gene. This nucleotide position is well conserved in available vertebrate species. In silico splice site analysis predicts that this alteration may weaken the native splice acceptor site; however, direct evidence is insufficient at this time (Ambry internal data). Since supporting evidence is limited at this time, the clinical significance of this alteration remains unclear.

Labcorp Genetics (formerly Invitae), Labcorp
Classification: Uncertain significance for DICER1-related tumor predisposition. Last evaluated: 2024-10-23. Review status: criteria provided, single submitter. Criteria: Invitae Variant Classification Sherloc (09022015). Collection method: clinical testing. Allele origin: germline.
Comment: This sequence change falls in intron 26 of the DICER1 gene. It does not directly change the encoded amino acid sequence of the DICER1 protein. It affects a nucleotide within the consensus splice site. This variant is not present in population databases (gnomAD no frequency). This variant has not been reported in the literature in individuals affected with DICER1-related conditions. ClinVar contains an entry for this variant (Variation ID: 958624). Variants that disrupt the consensus splice site are a relatively common cause of aberrant splicing (PMID: 17576681, 9536098). Algorithms developed to predict the effect of sequence changes on RNA splicing suggest that this variant may disrupt the consensus splice site. In summary, the available evidence is currently insufficient to determine the role of this variant in disease. Therefore, it has been classified as a Variant of Uncertain Significance.

Literature cited by the submitters: PubMed 17576681 (cited by Labcorp Genetics (formerly Invitae), Labcorp); PubMed 9536098 (cited by Labcorp Genetics (formerly Invitae), Labcorp).

NM_177438.3(DICER1):c.5604-3C>T

Gene: DICER1 (dicer 1, ribonuclease III; minus strand). Cytogenetic location: 14q32.13.
Variant type: single nucleotide variant.
Coding change: c.5604-3C>T on transcript NM_177438.3 (MANE Select); 3 bases into the intron before coding-DNA position 5604, C replaced by T.
Molecular consequence: intron variant.
Genome position (GRCh38, 1-based): chr14:95,090,666, G>A on the plus strand (C>T on the coding strand, the complement: DICER1 is on the minus strand). VCF-style: chr14-95090666-G-A. GRCh37 (hg19) VCF-style: chr14-95557003-G-A.
Other names: c.5604-3C>T (NM_001291628.2, NM_030621.4, NM_001271282.3); c.5441-3C>T (NM_001195573.1).
Identifiers: ClinVar variation 958624 (VCV000958624.11), dbSNP rs1889714961, ClinGen allele CA1139663681.